The following is an entry in ClinVar:

ClinVar aggregate classification (germline): Benign (1 of 4 stars; one submission).

Allele frequency attached by ClinVar (database versions not stated): ESP Exome Variant Server 0.00054; gnomAD 0.00054; TOPMed 0.00057; ExAC 0.00063; gnomAD exomes 0.00156.
gnomAD v4.1: 2,305 of 1,611,850 alleles (0.14%); highest among the groups gnomAD compares: Non-Finnish European, 0.19%; 9 homozygotes.

Submission:

CeGaT Center for Human Genetics Tuebingen
Classification: Benign. Last evaluated: 2024-01-01. Review status: criteria provided, single submitter. Criteria: CeGaT Center For Human Genetics Tuebingen Variant Classification Criteria Version 2. Collection method: clinical testing. Allele origin: germline. Affected: yes. Observed: 1 variant allele.
Comment: KDM3B: BP4, BS1, BS2

NM_016604.4(KDM3B):c.3046+8A>T

Gene: KDM3B (lysine demethylase 3B; plus strand). Cytogenetic location: 5q31.2.
Variant type: single nucleotide variant.
Coding change: c.3046+8A>T on transcript NM_016604.4 (MANE Select); 8 bases into the intron after coding-DNA position 3046, A replaced by T.
Molecular consequence: intron variant.
Genome position (GRCh38, 1-based): chr5:138,398,400, A>T. VCF-style: chr5-138398400-A-T. GRCh37 (hg19) VCF-style: chr5-137734089-A-T.
Identifiers: ClinVar variation 3024885 (VCV003024885.22), dbSNP rs200125839, ClinGen allele CA3429146.